The following is an entry in ClinVar:

ClinVar aggregate classification (germline): Benign/Likely benign. Review status: criteria provided, multiple submitters, no conflicts (2 of 4 stars). 11 submissions from 11 submitters: Benign (5); Likely benign (5). 1 of the submissions does not count toward it. Last evaluated 2025-12-22.

Conditions:
Hereditary cancer-predisposing syndrome. Also called: Neoplastic Syndromes, Hereditary; Tumor predisposition; Hereditary Cancer Syndrome; Hereditary neoplastic syndrome. Identifiers: Orphanet 140162, MedGen C0027672, MeSH D009386, MONDO:0015356.
Oligodontia-cancer predisposition syndrome. Also called: TOOTH AGENESIS-COLORECTAL CANCER SYNDROME. Identifiers: Orphanet 300576, MedGen C1837750, MONDO:0012075, OMIM 608615. Disease mechanism: loss of function.
AXIN2-related disorder.

Allele frequency attached by ClinVar (database versions not stated): TOPMed 0.00001; 1000 Genomes Project 30x 0.00016.
gnomAD v4.1: 125 of 1,614,106 alleles (0.0077%); highest among the groups gnomAD compares: South Asian, 0.11%; 1 homozygote.

Submissions (11):

Labcorp Genetics (formerly Invitae), Labcorp
Classification: Benign for Oligodontia-cancer predisposition syndrome. Last evaluated: 2025-12-22. Review status: criteria provided, single submitter. Criteria: Invitae Variant Classification Sherloc (09022015). Collection method: clinical testing. Allele origin: germline.

Center for Genomic Medicine, Rigshospitalet, Copenhagen University Hospital
Classification: Likely benign. Last evaluated: 2025-03-04. Review status: criteria provided, single submitter. Criteria: ACMG Guidelines, 2015. Collection method: clinical testing. Allele origin: germline.

Quest Diagnostics Nichols Institute San Juan Capistrano
Classification: Benign. Last evaluated: 2025-01-15. Review status: criteria provided, single submitter. Criteria: Quest Diagnostics criteria. Collection method: clinical testing. Allele origin: unknown.

Myriad Genetics, Inc.
Classification: Benign for Oligodontia-cancer predisposition syndrome. Last evaluated: 2024-06-26. Review status: criteria provided, single submitter. Criteria: Myriad Autosomal Dominant, Autosomal Recessive and X-Linked Classification Criteria (2023). Collection method: clinical testing. Allele origin: unknown.
Comment: This variant is considered benign. This variant is a silent/synonymous amino acid change and it is not expected to impact splicing.

Blueprint Genetics
Classification: Likely benign. Last evaluated: 2024-04-02. Review status: criteria provided, single submitter. Criteria: ACMG Guidelines, 2015. Collection method: clinical testing. Allele origin: germline.

Department of Pathology and Laboratory Medicine, Sinai Health System
Classification: Likely benign for Oligodontia-cancer predisposition syndrome. Last evaluated: 2024-02-29. Review status: criteria provided, single submitter. Criteria: ACMG Guidelines, 2015. Collection method: clinical testing. Allele origin: germline. Affected: yes.

KCCC/NGS Laboratory, Kuwait Cancer Control Center
Classification: Benign for Oligodontia-cancer predisposition syndrome. Last evaluated: 2023-07-07. Review status: criteria provided, single submitter. Criteria: ACMG Guidelines, 2015. Collection method: clinical testing. Allele origin: germline. Affected: yes.

Sema4
Classification: Benign for Hereditary cancer-predisposing syndrome. Last evaluated: 2021-04-03. Review status: criteria provided, single submitter. Criteria: Sema4 Curation Guidelines. Collection method: curation. Allele origin: germline.

Ambry Genetics
Classification: Likely benign for Hereditary cancer-predisposing syndrome. Last evaluated: 2019-02-01. Review status: criteria provided, single submitter. Criteria: Ambry Variant Classification Scheme 2023. Collection method: clinical testing. Allele origin: germline.

GeneDx
Classification: Likely benign. Last evaluated: 2017-04-28. Review status: criteria provided, single submitter. Criteria: GeneDx Variant Classification (06012015). Collection method: clinical testing. Allele origin: germline. Affected: yes.
Comment: This variant is considered likely benign or benign based on one or more of the following criteria: it is a conservative change, it occurs at a poorly conserved position in the protein, it is predicted to be benign by multiple in silico algorithms, and/or has population frequency not consistent with disease.

PreventionGenetics, part of Exact Sciences
Classification: Likely benign for AXIN2-related condition. Last evaluated: 2019-07-09. Review status: no assertion criteria provided. Collection method: clinical testing. Allele origin: germline. Not counted in ClinVar's aggregate classification.
Comment: This variant is classified as likely benign based on ACMG/AMP sequence variant interpretation guidelines (Richards et al. 2015 PMID: 25741868, with internal and published modifications).

NM_004655.4(AXIN2):c.435C>G (p.Val145=)

Gene: AXIN2 (axin 2; minus strand). Cytogenetic location: 17q24.1.
Variant type: single nucleotide variant.
Coding change: c.435C>G on transcript NM_004655.4 (MANE Select); coding-DNA position 435, C replaced by G.
Protein change: p.Val145=; no amino-acid change (valine 145 retained).
Molecular consequence: synonymous variant.
Genome position (GRCh38, 1-based): chr17:65,558,186, G>C on the plus strand (C>G on the coding strand, the complement: AXIN2 is on the minus strand). VCF-style: chr17-65558186-G-C. GRCh37 (hg19) VCF-style: chr17-63554304-G-C.
Other names: c.435C>G (LRG_296t1); c.435C>G, p.Val145= (NM_001363813.1).
Identifiers: ClinVar variation 383383 (VCV000383383.25), dbSNP rs111470596, ClinGen allele CA8719050.